The following is an entry in ClinVar:

NM_000135.4(FANCA):c.3349-11C>A

Gene: FANCA (FA complementation group A; minus strand). Cytogenetic location: 16q24.3.
Variant type: single nucleotide variant.
Coding change: c.3349-11C>A on transcript NM_000135.4 (MANE Select); 11 bases into the intron before coding-DNA position 3349, C replaced by A.
Molecular consequence: intron variant.
Genome position (GRCh38, 1-based): chr16:89,746,901, G>T on the plus strand (C>A on the coding strand, the complement: FANCA is on the minus strand). VCF-style: chr16-89746901-G-T. GRCh37 (hg19) VCF-style: chr16-89813309-G-T.
Other names: c.3349-11C>A (NM_001286167.3).
Identifiers: ClinVar variation 1692216 (VCV001692216.6), dbSNP rs1190325114, ClinGen allele CA624280316.
Genomic context (GRCh38, chr16:89,746,901, plus strand): 5'-TGGGCAGTGATGTCCTGTGTCAGGGCACCTCCGTGGGAGCAGAAGTTTCTCTGCAAAAGA[G>T]TTCAAGGCAGGTAAGAAAAGCCCACAGGAAGAGAGGCGAGACCAACATGCAGAGTGGCTG-3'

ClinVar aggregate classification (germline): Conflicting classifications of pathogenicity. Review status: criteria provided, conflicting classifications (1 of 4 stars). 2 submissions from 2 submitters: Uncertain significance (1); Likely benign (1). Last evaluated 2023-11-13.

Conditions:
Fanconi anemia (FA). Also called: Fanconi's anemia. Identifiers: Orphanet 84, MedGen C0015625, MeSH D005199, MONDO:0019391.

Allele frequency attached by ClinVar (database versions not stated): gnomAD 0.00003.

Submissions (2):

Labcorp Genetics (formerly Invitae), Labcorp
Classification: Likely benign for Fanconi anemia. Last evaluated: 2023-11-13. Review status: criteria provided, single submitter. Criteria: Invitae Variant Classification Sherloc (09022015). Collection method: clinical testing. Allele origin: germline.

Sema4
Classification: Uncertain significance for Fanconi anemia. Last evaluated: 2022-01-04. Review status: criteria provided, single submitter. Criteria: Sema4 Curation Guidelines. Collection method: curation. Allele origin: germline.
Comment: The FANCA c.3349-11C>A variant has not been reported in the literature to our knowledge. It was observed in 1/8714 chromosomes of the African/African American (AFR) subpopulation in the large and broad cohorts of the Genome Aggregation Database (PMID: 32461654). This variant has not been reported in ClinVar. In silico tools predict no effect on splicing though these predictions have not been confirmed by functional studies. The evidence is insufficient to meet ACMG/AMP criteria for classifying the variant as benign or pathogenic. Thus, the clinical significance of this variant is currently uncertain.